The following is an entry in ClinVar:

NM_000709.4(BCKDHA):c.859C>T (p.Arg287Ter)

Gene: BCKDHA (branched chain keto acid dehydrogenase E1 subunit alpha; plus strand). Cytogenetic location: 19q13.2.
Variant type: single nucleotide variant.
Coding change: c.859C>T on transcript NM_000709.4 (MANE Select); coding-DNA position 859, C replaced by T.
Protein change: p.Arg287Ter; replaces arginine 287 with a stop codon.
Molecular consequence: nonsense.
Genome position (GRCh38, 1-based): chr19:41,422,634, C>T. VCF-style: chr19-41422634-C-T. GRCh37 (hg19) VCF-style: chr19-41928539-C-T.
Other names: c.856C>T, p.Arg286Ter (NM_001164783.2); short protein forms R287*, R286*.
Identifiers: ClinVar variation 553989 (VCV000553989.18), dbSNP rs764247545, ClinGen allele CA9461290.
Genomic context (GRCh38, chr19:41,422,634, plus strand): 5'-GTGCATGTTCCTTATCTCAGCCCTGGCCTGACCTGCCTTCTCTGTGTCCCCACAGCAGCA[C>T]GAGGCCCCGGGTATGGCATCATGTCAATCCGCGTGGATGGTAATGATGTGTTTGCCGTAT-3'

ClinVar aggregate classification (germline): Pathogenic. Review status: criteria provided, multiple submitters, no conflicts (2 of 4 stars). 7 submissions from 7 submitters: Pathogenic (6). 1 of the submissions does not count toward it. Last evaluated 2025-10-01.

Conditions:
Maple syrup urine disease type 1A (MSUD1A). Also called: MSUD type 1A. Identifiers: MedGen C1855369, MONDO:0023691, OMIM 248600.
Maple syrup urine disease (MSUD). Identifiers: Orphanet 511, MedGen C0024776, MeSH D008375, MONDO:0009563. Disease mechanism: loss of function.

Allele frequency attached by ClinVar (database versions not stated): TOPMed 0.00001.
gnomAD v4.1: 8 of 1,613,942 alleles (0.0005%); highest among the groups gnomAD compares: African/African-American, 0.0053%; no homozygotes.

Submissions (7):

Natera, Inc.
Classification: Pathogenic for Maple syrup urine disease type 1A. Last evaluated: 2025-10-01. Review status: criteria provided, single submitter. Criteria: Natera Variant Classification Schema (03/2026). Collection method: clinical testing. Allele origin: germline.
Comment: The c.859C>T variant in BCKDHA is a nonsense variant predicted to introduce a stop codon at amino acid 287. This variant is expected to result in nonsense mediated decay, truncation, or a dysfunctional protein product. This variant is rare in the general population with a frequency below the threshold expected for the associated phenotype(s). This variant has been observed in one or more individuals affected with the associated recessive disease, as either homozygous or compound heterozygous with a second variant (PMID: 10694918, 32812330). Given the available evidence, this variant is classified as Pathogenic.

Labcorp Genetics (formerly Invitae), Labcorp
Classification: Pathogenic for Maple syrup urine disease. Last evaluated: 2024-12-04. Review status: criteria provided, single submitter. Criteria: Invitae Variant Classification Sherloc (09022015). Collection method: clinical testing. Allele origin: germline.
Comment: This sequence change creates a premature translational stop signal (p.Arg287*) in the BCKDHA gene. It is expected to result in an absent or disrupted protein product. Loss-of-function variants in BCKDHA are known to be pathogenic (PMID: 16786533, 22593002). This variant is present in population databases (rs764247545, gnomAD 0.004%). This premature translational stop signal has been observed in individual(s) with maple syrup urine disease (PMID: 10694918, 14517957, 19480318, 29740775, 32812330). This variant is also known as R242X. ClinVar contains an entry for this variant (Variation ID: 553989). For these reasons, this variant has been classified as Pathogenic.

Baylor Genetics
Classification: Pathogenic for Maple syrup urine disease type 1A. Last evaluated: 2024-03-22. Review status: criteria provided, single submitter. Criteria: ACMG Guidelines, 2015. Collection method: clinical testing. Allele origin: unknown.

Center for Genomics, Ann and Robert H. Lurie Children's Hospital of Chicago
Classification: Pathogenic for Maple syrup urine disease type 1A. Last evaluated: 2023-01-17. Review status: criteria provided, single submitter. Criteria: ACMG Guidelines, 2015. Collection method: clinical testing. Allele origin: germline.
Comment: This variant, also referred to historically as p.Arg242*, has been reported in the literature in at least 5 individuals with maple syrup urine disease, including in both the homozygous and compound heterozygous states (Chinsky 1997 PMID: 10694918; Henneke 2003 PMID: 14517957; Feier 2016 PMID: 26786177; Scaini 2018 PMID: 29740775; Khalifa 2020 PMID: 32812330). This variant is present in gnomAD (Highest reported MAF: 0.01% [4/41408]); please note, disease-causing variants may be present in control databases at low frequencies, reflective of the general population, carrier status, and/or variable expressivity. It is also present in ClinVar (Variation ID: 553989). This variant is predicted to cause a stopgain at this codon, resulting in protein truncation or loss of allelic expression through nonsense-mediated mRNA decay; biallelic loss of function is an established mechanism of disease for this gene (Blackburn 2017 PMID: 28919799). Patient-derived fibroblasts with this variant in the homozygous state exhibited BCKD enzyme activity of approximately 3% compared to the wild-type enzyme (Henneke 2003 PMID: 14517957). In summary, this variant is classified as pathogenic.

Genome-Nilou Lab
Classification: Pathogenic for Maple syrup urine disease type 1A. Last evaluated: 2021-11-07. Review status: criteria provided, single submitter. Criteria: ACMG Guidelines, 2015. Collection method: clinical testing. Allele origin: germline. Affected: no.

Women's Health and Genetics/Laboratory Corporation of America, LabCorp
Classification: Pathogenic for Maple syrup urine disease. Last evaluated: 2020-09-28. Review status: criteria provided, single submitter. Criteria: LabCorp Variant Classification Summary - May 2015. Collection method: clinical testing. Allele origin: germline.
Comment: Variant summary: BCKDHA c.859C>T (p.Arg287X) results in a premature termination codon, predicted to cause a truncation of the encoded protein or absence of the protein due to nonsense mediated decay, which are commonly known mechanisms for disease. Truncations downstream of this position have been classified as pathogenic by our laboratory. The variant allele was found at a frequency of 4e-06 in 251376 control chromosomes. c.859C>T has been reported in the literature in multiple individuals affected with Maple Syrup Urine Disease and subsequently cited by others (example, Chinsky_1997, Henneke_2003, Feier_2016, Scaini_2018, Zlotogora_2020). These data indicate that the variant is very likely to be associated with disease. At least one publication reports experimental evidence evaluating an impact on protein function. The most pronounced variant effect results in <10% of normal BCKD enzyme activity on patient fibroblasts (Henneke_2003). One clinical diagnostic laboratory has submitted clinical-significance assessments for this variant to ClinVar after 2014 without evidence for independent evaluation and classified the variant as pathogenic. Based on the evidence outlined above, the variant was classified as pathogenic.

Counsyl
Classification: Pathogenic for Maple syrup urine disease type 1A. Last evaluated: 2017-10-05. Review status: no assertion criteria provided. Collection method: clinical testing. Allele origin: unknown. Not counted in ClinVar's aggregate classification.

Literature cited by the submitters: PubMed 10694918 (cited by 4 submitters); PubMed 32812330 (cited by Natera, Inc. and Labcorp Genetics (formerly Invitae), Labcorp); PubMed 16786533 (cited by Labcorp Genetics (formerly Invitae), Labcorp); PubMed 22593002 (cited by Labcorp Genetics (formerly Invitae), Labcorp); PubMed 14517957 (cited by 3 submitters); PubMed 19480318 (cited by Labcorp Genetics (formerly Invitae), Labcorp and Women's Health and Genetics/Laboratory Corporation of America, LabCorp); PubMed 29740775 (cited by Labcorp Genetics (formerly Invitae), Labcorp and Women's Health and Genetics/Laboratory Corporation of America, LabCorp); PubMed 26786177 (cited by Women's Health and Genetics/Laboratory Corporation of America, LabCorp); PubMed 20852892 (cited by Women's Health and Genetics/Laboratory Corporation of America, LabCorp).